The following is an entry in ClinVar:

NM_006796.3(AFG3L2):c.1780-196del

Gene: AFG3L2 (AFG3 like matrix AAA peptidase subunit 2; minus strand). Cytogenetic location: 18p11.21.
Variant type: Deletion.
Coding change: c.1780-196del on transcript NM_006796.3 (MANE Select); 196 bases into the intron before coding-DNA position 1780, one base deleted (A; older notation c.1780-196delA).
Molecular consequence: intron variant.
Genome position (GRCh38, 1-based): chr18:12,340,597, T deleted on the plus strand (A on the coding strand, the reverse complement: AFG3L2 is on the minus strand); the first of 8 consecutive T bases (chr18:12,340,597-12,340,604); deleting any one gives the same sequence. VCF-style (leftmost placement, unchanged base first): chr18-12340596-GT-G. GRCh37 (hg19) VCF-style: chr18-12340595-GT-G.
Identifiers: ClinVar variation 677941 (VCV000677941.1), dbSNP rs59938992, ClinGen allele CA296692544.

ClinVar aggregate classification (germline): Benign (1 of 4 stars; one submission).

Submission:

GeneDx
Classification: Benign. Last evaluated: 2018-06-14. Review status: criteria provided, single submitter. Criteria: GeneDx Variant Classification (06012015). Collection method: clinical testing. Allele origin: germline. Affected: yes.
Comment: This variant is considered likely benign or benign based on one or more of the following criteria: it is a conservative change, it occurs at a poorly conserved position in the protein, it is predicted to be benign by multiple in silico algorithms, and/or has population frequency not consistent with disease.